The following is an entry in ClinVar:

NM_001164508.2(NEB):c.8386del (p.Glu2796fs)

Gene: NEB (nebulin; minus strand). Cytogenetic location: 2q23.3.
Variant type: Deletion.
Coding change: c.8386del on transcript NM_001164508.2 (MANE Select); coding-DNA position 8386, one base deleted (G; older notation c.8386delG).
Protein change: p.Glu2796fs; shifts the reading frame from glutamic acid 2796.
Molecular consequence: frameshift variant.
Genome position (GRCh38, 1-based): chr2:151,640,654, C deleted on the plus strand (G on the coding strand, the reverse complement: NEB is on the minus strand). VCF-style (leftmost placement, unchanged base first): chr2-151640653-TC-T. GRCh37 (hg19) VCF-style: chr2-152497167-TC-T.
Other names: c.8386del, p.Glu2796fs (NM_001164507.2, NM_001271208.2, NM_004543.5); short protein forms E2796fs.
Identifiers: ClinVar variation 1069231 (VCV001069231.7), dbSNP rs2154105644, ClinGen allele CA2499215086.
Genomic context (GRCh38, chr2:151,640,653, plus strand): 5'-TTGGGGTCATCACGTATAGCTCGGGCACCAATGTGGTGGCCGAGCTGCTTACGATAGCCT[TC>T]TTTGTACTTGAACTAAAAGAAGAAAAAGACAGATAGTCATCTGTTTTAACTTTTAGTAAA-3'

ClinVar aggregate classification (germline): Pathogenic (1 of 4 stars; one submission).

Conditions:
Nemaline myopathy 2 (NEM2). Also called: Nemaline myopathy 2, autosomal recessive. Identifiers: MedGen C1850569, MONDO:0009725, OMIM 256030.

Submission:

Labcorp Genetics (formerly Invitae), Labcorp
Classification: Pathogenic for Nemaline myopathy 2. Last evaluated: 2020-01-08. Review status: criteria provided, single submitter. Criteria: Invitae Variant Classification Sherloc (09022015). Collection method: clinical testing. Allele origin: germline.
Comment: For these reasons, this variant has been classified as Pathogenic. Loss-of-function variants in NEB are known to be pathogenic (PMID: 25205138). This variant has not been reported in the literature in individuals with NEB-related conditions. This variant is not present in population databases (ExAC no frequency). This sequence change creates a premature translational stop signal (p.Glu2796Lysfs*22) in the NEB gene. It is expected to result in an absent or disrupted protein product.

Literature cited by the submitters: PubMed 25205138.